The following is an entry in ClinVar:

NM_015338.6(ASXL1):c.764C>T (p.Pro255Leu)

Gene: ASXL1 (ASXL transcriptional regulator 1; plus strand). Cytogenetic location: 20q11.21.
Variant type: single nucleotide variant.
Coding change: c.764C>T on transcript NM_015338.6 (MANE Select); coding-DNA position 764, C replaced by T.
Protein change: p.Pro255Leu; replaces proline 255 with leucine.
Molecular consequence: missense variant.
Genome position (GRCh38, 1-based): chr20:32,431,366, C>T. VCF-style: chr20-32431366-C-T. GRCh37 (hg19) VCF-style: chr20-31019169-C-T.
Other names: c.581C>T, p.Pro194Leu (NM_001363734.1); short protein forms P255L, P194L.
Identifiers: ClinVar variation 3957329 (VCV003957329.1).

ClinVar aggregate classification (germline): Uncertain significance (1 of 4 stars; one submission).

Conditions:
Inborn genetic diseases. Identifiers: MedGen C0950123, MeSH D030342.

gnomAD v4.1: 1 of 1,614,126 alleles (0.000062%); highest among the groups gnomAD compares: Non-Finnish European, 0.000085%; no homozygotes.

Submission:

Ambry Genetics
Classification: Uncertain significance for Inborn genetic diseases. Last evaluated: 2025-05-27. Review status: criteria provided, single submitter. Criteria: Ambry Variant Classification Scheme 2023. Collection method: clinical testing. Allele origin: germline.
Comment: The p.P255L variant (also known as c.764C>T), located in coding exon 9 of the ASXL1 gene, results from a C to T substitution at nucleotide position 764. The proline at codon 255 is replaced by leucine, an amino acid with similar properties. This amino acid position is conserved. In addition, this alteration is predicted to be deleterious by in silico analysis. Based on the available evidence, the clinical significance of this variant remains unclear.